The following is an entry in ClinVar:

NM_000528.4(MAN2B1):c.2625C>T (p.Gly875=)

Gene: MAN2B1 (mannosidase alpha class 2B member 1; minus strand). Cytogenetic location: 19p13.13.
Variant type: single nucleotide variant.
Coding change: c.2625C>T on transcript NM_000528.4 (MANE Select); coding-DNA position 2625, C replaced by T.
Protein change: p.Gly875=; no amino-acid change (glycine 875 retained).
Molecular consequence: synonymous variant.
Genome position (GRCh38, 1-based): chr19:12,648,214, G>A on the plus strand (C>T on the coding strand, the complement: MAN2B1 is on the minus strand). VCF-style: chr19-12648214-G-A. GRCh37 (hg19) VCF-style: chr19-12759028-G-A.
Other names: c.2622C>T, p.Gly874= (NM_001173498.2).
Identifiers: ClinVar variation 328256 (VCV000328256.24), dbSNP rs368834616, ClinGen allele CA9225971.

ClinVar aggregate classification (germline): Conflicting classifications of pathogenicity. Review status: criteria provided, conflicting classifications (1 of 4 stars). 6 submissions from 6 submitters: Uncertain significance (1); Likely benign (4). 1 of the submissions does not count toward it. Last evaluated 2026-05-27.

Conditions:
MAN2B1-related disorder. Also called: MAN2B1-related condition.
Deficiency of alpha-mannosidase (MANSA). Also called: Mannosidosis, alpha-, types I and II; LYSOSOMAL ALPHA-D-MANNOSIDASE DEFICIENCY; Alpha-Mannosidosis. Identifiers: Orphanet 61, MedGen C0024748, MONDO:0009561, OMIM 248500.

Allele frequency attached by ClinVar (database versions not stated): gnomAD exomes 0.00005 and 0.00014; ExAC 0.00042; TOPMed 0.00046; ESP Exome Variant Server 0.00050; gnomAD 0.00052 and 0.00056; 1000 Genomes Project 0.00060; 1000 Genomes Project 30x 0.00062.
gnomAD v4.1: 150 of 1,567,364 alleles (0.0096%); highest among the groups gnomAD compares: African/African-American, 0.18%; no homozygotes.

Submissions (6):

PreventionGenetics, part of Exact Sciences
Classification: Likely benign for MAN2B1-related condition. Last evaluated: 2026-05-27. Review status: criteria provided, single submitter. Criteria: ACMG Guidelines, 2015. Collection method: clinical testing. Allele origin: germline.
Comment: This variant is classified as likely benign based on ACMG/AMP sequence variant interpretation guidelines (Richards et al. 2015 PMID: 25741868, with internal and published modifications).

Labcorp Genetics (formerly Invitae), Labcorp
Classification: Likely benign for Deficiency of alpha-mannosidase. Last evaluated: 2026-01-30. Review status: criteria provided, single submitter. Criteria: Invitae Variant Classification Sherloc (09022015). Collection method: clinical testing. Allele origin: germline.

Blueprint Genetics
Classification: Likely benign. Last evaluated: 2023-07-04. Review status: criteria provided, single submitter. Criteria: ACMG Guidelines, 2015. Collection method: clinical testing. Allele origin: germline.

Genome-Nilou Lab
Classification: Likely benign for Deficiency of alpha-mannosidase. Last evaluated: 2021-09-05. Review status: criteria provided, single submitter. Criteria: ACMG Guidelines, 2015. Collection method: clinical testing. Allele origin: germline. Affected: no.

Illumina Laboratory Services, Illumina
Classification: Uncertain significance for Deficiency of alpha-mannosidase. Last evaluated: 2018-01-13. Review status: criteria provided, single submitter. Criteria: ICSL Variant Classification Criteria 13 December 2019. Collection method: clinical testing. Allele origin: germline.

Natera, Inc.
Classification: Likely benign for Alpha-mannosidosis. Last evaluated: 2019-11-11. Review status: no assertion criteria provided. Collection method: clinical testing. Allele origin: germline. Not counted in ClinVar's aggregate classification.